The following is an entry in ClinVar:

ClinVar aggregate classification (germline): Pathogenic (1 of 4 stars; one submission).

Conditions:
Niemann-Pick disease, type C1. Also called: NIEMANN-PICK DISEASE, VARIANT TYPE C1; NEUROVISCERAL STORAGE DISEASE WITH VERTICAL SUPRANUCLEAR OPHTHALMOPLEGIA; NIEMANN-PICK DISEASE WITH CHOLESTEROL ESTERIFICATION BLOCK; NIEMANN-PICK DISEASE WITHOUT SPHINGOMYELINASE DEFICIENCY; NIEMANN-PICK DISEASE, CHRONIC NEURONOPATHIC FORM. Identifiers: Orphanet 646, MedGen C3179455, MONDO:0009757, OMIM 257220.

Submission:

Labcorp Genetics (formerly Invitae), Labcorp
Classification: Pathogenic for Niemann-Pick disease, type C1. Last evaluated: 2022-03-08. Review status: criteria provided, single submitter. Criteria: Invitae Variant Classification Sherloc (09022015). Collection method: clinical testing. Allele origin: germline.
Comment: For these reasons, this variant has been classified as Pathogenic. This variant has not been reported in the literature in individuals affected with NPC1-related conditions. This variant is not present in population databases (gnomAD no frequency). This sequence change creates a premature translational stop signal (p.Gln136Argfs*6) in the NPC1 gene. It is expected to result in an absent or disrupted protein product. Loss-of-function variants in NPC1 are known to be pathogenic (PMID: 9211850).

Literature cited by the submitters: PubMed 9211850.

NM_000271.5(NPC1):c.407del (p.Gln136fs)

Gene: NPC1 (NPC intracellular cholesterol transporter 1; minus strand). Cytogenetic location: 18q11.2.
Variant type: Deletion.
Coding change: c.407del on transcript NM_000271.5 (MANE Select); coding-DNA position 407, one base deleted (A; older notation c.407delA).
Protein change: p.Gln136fs; shifts the reading frame from glutamine 136.
Molecular consequence: frameshift variant.
Genome position (GRCh38, 1-based): chr18:23,568,879, T deleted on the plus strand (A on the coding strand, the reverse complement: NPC1 is on the minus strand). VCF-style (leftmost placement, unchanged base first): chr18-23568878-CT-C. GRCh37 (hg19) VCF-style: chr18-21148842-CT-C.
Other names: short protein forms Q136fs.
Identifiers: ClinVar variation 2107203 (VCV002107203.4), dbSNP rs2511340972, ClinGen allele CA2580095647.
Genomic context (GRCh38, chr18:23,568,878, plus strand): 5'-CTTACCATTGGCAAAACTCTGTCCGACGTAGTATTGTAACTCTTTCACATTTGTTTTCGT[CT>C]GGTTTGTAACAGGATCAACATAATCTTCAGTAGCTGTAACATTCAAAAACTGACTCTGTC-3'